The following is an entry in ClinVar:

ClinVar aggregate classification (germline): Likely benign. Review status: criteria provided, multiple submitters, no conflicts (2 of 4 stars). 3 submissions from 3 submitters: Likely benign (3). Last evaluated 2026-07-01.

Conditions:
Early-infantile DEE. Also called: Ohtahara syndrome; Early infantile epileptic encephalopathy; Early infantile epileptic encephalopathy with suppression bursts. Identifiers: Orphanet 1934, MedGen C0393706, MONDO:0800491.

Allele frequency attached by ClinVar (database versions not stated): ExAC 0.00001; gnomAD exomes 0.00001.
gnomAD v4.1: 10 of 1,612,588 alleles (0.00062%); highest among the groups gnomAD compares: Non-Finnish European, 0.00076%; no homozygotes.

Submissions (3):

CeGaT Center for Human Genetics Tuebingen
Classification: Likely benign. Last evaluated: 2026-07-01. Review status: criteria provided, single submitter. Criteria: CeGaT Center For Human Genetics Tuebingen Variant Classification Criteria Version 2. Collection method: clinical testing. Allele origin: germline. Affected: yes. Observed: 1 variant allele.
Comment: SLC25A22: BP4, BP7

Labcorp Genetics (formerly Invitae), Labcorp
Classification: Likely benign for Early-infantile DEE. Last evaluated: 2023-11-17. Review status: criteria provided, single submitter. Criteria: Invitae Variant Classification Sherloc (09022015). Collection method: clinical testing. Allele origin: germline.

Blueprint Genetics
Classification: Likely benign. Last evaluated: 2022-04-20. Review status: criteria provided, single submitter. Criteria: ACMG Guidelines, 2015. Collection method: clinical testing. Allele origin: germline.

NM_001191061.2(SLC25A22):c.810C>T (p.Asp270=)

Gene: SLC25A22 (solute carrier family 25 member 22; minus strand). Cytogenetic location: 11p15.5.
Variant type: single nucleotide variant.
Coding change: c.810C>T on transcript NM_001191061.2 (MANE Select); coding-DNA position 810, C replaced by T.
Protein change: p.Asp270=; no amino-acid change (aspartic acid 270 retained).
Molecular consequence: synonymous variant.
Genome position (GRCh38, 1-based): chr11:792,150, G>A on the plus strand (C>T on the coding strand, the complement: SLC25A22 is on the minus strand). VCF-style: chr11-792150-G-A. GRCh37 (hg19) VCF-style: chr11-792150-G-A.
Other names: c.810C>T, p.Asp270= (NM_001191060.2, NM_024698.6).
Identifiers: ClinVar variation 2167980 (VCV002167980.6), dbSNP rs748229288, ClinGen allele CA5789052.